The following is an entry in ClinVar:

NM_000214.3(JAG1):c.2316del (p.Gly773fs)

Gene: JAG1 (jagged canonical Notch ligand 1; minus strand). Cytogenetic location: 20p12.2.
Variant type: Deletion.
Coding change: c.2316del on transcript NM_000214.3 (MANE Select); coding-DNA position 2316, one base deleted (A; older notation c.2316delA).
Protein change: p.Gly773fs; shifts the reading frame from glycine 773.
Molecular consequence: frameshift variant.
Genome position (GRCh38, 1-based): chr20:10,644,891, T deleted on the plus strand (A on the coding strand, the reverse complement: JAG1 is on the minus strand); the first of 2 consecutive T bases (chr20:10,644,891-10,644,892); deleting either gives the same sequence. VCF-style (leftmost placement, unchanged base first): chr20-10644890-CT-C. GRCh37 (hg19) VCF-style: chr20-10625538-CT-C.
Other names: short protein forms G773fs.
Identifiers: ClinVar variation 4986699 (VCV004986699.1).

ClinVar aggregate classification (germline): Pathogenic (1 of 4 stars; one submission).

Conditions:
JAG1-related disorder. Also called: JAG1-related condition; JAG1-related disorders.

Submission:

PreventionGenetics, part of Exact Sciences
Classification: Pathogenic for JAG1-related condition. Last evaluated: 2025-09-17. Review status: criteria provided, single submitter. Criteria: ACMG Guidelines, 2015. Collection method: clinical testing. Allele origin: germline.
Comment: The JAG1 c.2316delA variant is predicted to result in a frameshift and premature protein termination (p.Gly773Alafs*47). To our knowledge, this variant has not been reported in the literature or in a large population database (gnomad), indicating this variant is rare. Frameshift variants in JAG1 are expected to be pathogenic. This variant is interpreted as pathogenic.